The following is an entry in ClinVar:

NM_001127208.3(TET2):c.5453A>T (p.Lys1818Ile)

Genes: TET2 (tet methylcytosine dioxygenase 2; plus strand), TET2-AS1 (TET2 antisense RNA 1; minus strand). Cytogenetic location: 4q24.
Variant type: single nucleotide variant.
Coding change: c.5453A>T on transcript NM_001127208.3 (MANE Select); coding-DNA position 5453, A replaced by T.
Protein change: p.Lys1818Ile; replaces lysine 1818 with isoleucine.
Molecular consequence: missense variant.
Genome position (GRCh38, 1-based): chr4:105,275,963, A>T. VCF-style: chr4-105275963-A-T. GRCh37 (hg19) VCF-style: chr4-106197120-A-T.
Other names: short protein forms K1818I.
Identifiers: ClinVar variation 135290 (VCV000135290.1), dbSNP rs587778700, ClinGen allele CA162237.

ClinVar aggregate classification (germline): not provided (0 of 4 stars; one submission).

Allele frequency attached by ClinVar (database versions not stated): gnomAD 0.00001; TOPMed 0.00001 and below 0.00001; gnomAD exomes 0.00001.
gnomAD v4.1: 6 of 1,551,710 alleles (0.00039%); highest among the groups gnomAD compares: African/African-American, 0.0055%; no homozygotes.

Submission:

ITMI
No classification provided. Condition: AllHighlyPenetrant. Last evaluated: 2013-09-19. Review status: no classification provided. Collection method: reference population. Allele origin: germline.
Comment: Please see associated publication for description of ethnicities

Literature cited by the submitters: PubMed 24728327.